The following is an entry in ClinVar:

ClinVar aggregate classification (germline): Uncertain significance (1 of 4 stars; one submission).

Submission:

GeneDx
Classification: Uncertain significance. Last evaluated: 2024-08-08. Review status: criteria provided, single submitter. Criteria: GeneDx Variant Classification Process June 2021. Collection method: clinical testing. Allele origin: germline. Affected: yes.
Comment: Not observed at significant frequency in large population cohorts (gnomAD); In silico analysis indicates that this missense variant does not alter protein structure/function; Has not been previously published as pathogenic or benign to our knowledge

NM_020987.5(ANK3):c.6125G>A (p.Gly2042Glu)

Gene: ANK3 (ankyrin 3; minus strand). Cytogenetic location: 10q21.2.
Variant type: single nucleotide variant.
Coding change: c.6125G>A on transcript NM_020987.5 (MANE Select); coding-DNA position 6125, G replaced by A.
Protein change: p.Gly2042Glu; replaces glycine 2042 with glutamic acid.
Molecular consequence: missense variant. On other transcripts: intron variant (4).
Genome position (GRCh38, 1-based): chr10:60,074,756, C>T on the plus strand (G>A on the coding strand, the complement: ANK3 is on the minus strand). VCF-style: chr10-60074756-C-T. GRCh37 (hg19) VCF-style: chr10-61834514-C-T.
Other names: c.4387+5781G>A (NM_001204403.2); c.4408+5781G>A (NM_001204404.2); c.4405+5781G>A (NM_001320874.2); c.1807+5781G>A (NM_001149.4); short protein forms G2042E.
Identifiers: ClinVar variation 3731018 (VCV003731018.1).